The following is an entry in ClinVar:

ClinVar aggregate classification (germline): Likely benign. Review status: reviewed by expert panel (3 of 4 stars). 6 submissions from 6 submitters: Likely benign (1). 5 of the submissions do not count toward it. Last evaluated 2017-06-29.

Conditions:
Hereditary cancer-predisposing syndrome. Also called: Hereditary neoplastic syndrome; Tumor predisposition; Neoplastic Syndromes, Hereditary; Hereditary Cancer Syndrome. Identifiers: Orphanet 140162, MedGen C0027672, MeSH D009386, MONDO:0015356.
Hereditary breast ovarian cancer syndrome. Also called: Breast and ovarian cancer; Hereditary breast and ovarian cancer syndrome; Hereditary breast and ovarian cancer; Hereditary breast and/or ovarian cancer syndrome; Hereditary breast and ovarian cancer syndrome (HBOC); BRCA1- and BRCA2-Associated Hereditary Breast and Ovarian Cancer. Identifiers: Orphanet 145, MedGen C0677776, MeSH D061325, MONDO:0003582. Disease mechanism: loss of function.
Breast-ovarian cancer, familial, susceptibility to, 2 (BROVCA2). Also called: BRCA2 Hereditary Breast and Ovarian Cancer. Identifiers: Orphanet 145, MedGen C2675520, MONDO:0012933, OMIM 612555. Disease mechanism: loss of function.

Allele frequency attached by ClinVar (database versions not stated): gnomAD exomes below 0.00001; gnomAD 0.00001.
gnomAD v4.1: 3 of 1,579,074 alleles (0.00019%); highest among the groups gnomAD compares: Non-Finnish European, 0.00026%; no homozygotes.

Submissions (6):

Evidence-based Network for the Interpretation of Germline Mutant Alleles (ENIGMA)
Classification: Likely benign for Breast-ovarian cancer, familial, susceptibility to, 2. Last evaluated: 2017-06-29. Review status: reviewed by expert panel. Criteria: ENIGMA BRCA1/2 Classification Criteria (2017-06-29). Collection method: curation. Allele origin: germline.
Comment: Synonymous substitution variant, with low bioinformatic likelihood to result in a splicing aberration (Splicing prior probability 0.02).

Labcorp Genetics (formerly Invitae), Labcorp
Classification: Likely benign for Hereditary breast ovarian cancer syndrome. Last evaluated: 2023-11-27. Review status: criteria provided, single submitter. Criteria: Invitae Variant Classification Sherloc (09022015). Collection method: clinical testing. Allele origin: germline. Not counted in ClinVar's aggregate classification.

Ambry Genetics
Classification: Likely benign for Hereditary cancer-predisposing syndrome. Last evaluated: 2019-12-19. Review status: criteria provided, single submitter. Criteria: Ambry Variant Classification Scheme 2023. Collection method: clinical testing. Allele origin: germline. Not counted in ClinVar's aggregate classification.

GeneDx
Classification: Likely benign. Last evaluated: 2016-01-11. Review status: criteria provided, single submitter. Criteria: GeneDx Variant Classification (06012015). Collection method: clinical testing. Allele origin: germline. Affected: yes. Not counted in ClinVar's aggregate classification.
Comment: This variant is considered likely benign or benign based on one or more of the following criteria: it is a conservative change, it occurs at a poorly conserved position in the protein, it is predicted to be benign by multiple in silico algorithms, and/or has population frequency not consistent with disease.

Clinical Genetics DNA and cytogenetics Diagnostics Lab, Erasmus MC, Erasmus Medical Center
Classification: Likely benign. Review status: no assertion criteria provided. Collection method: clinical testing. Allele origin: germline. Affected: yes. Study: VKGL Data-share Consensus. Not counted in ClinVar's aggregate classification.

Joint Genome Diagnostic Labs from Nijmegen and Maastricht, Radboudumc and MUMC+
Classification: Likely benign. Review status: no assertion criteria provided. Collection method: clinical testing. Allele origin: germline. Affected: yes. Study: VKGL Data-share Consensus. Not counted in ClinVar's aggregate classification.

NM_000059.4(BRCA2):c.3942G>A (p.Lys1314=)

Gene: BRCA2 (BRCA2 DNA repair associated; plus strand). Cytogenetic location: 13q13.1.
Variant type: single nucleotide variant.
Coding change: c.3942G>A on transcript NM_000059.4 (MANE Select); coding-DNA position 3942, G replaced by A.
Protein change: p.Lys1314=; no amino-acid change (lysine 1314 retained).
Molecular consequence: synonymous variant.
Genome position (GRCh38, 1-based): chr13:32,338,297, G>A. VCF-style: chr13-32338297-G-A. GRCh37 (hg19) VCF-style: chr13-32912434-G-A.
Identifiers: ClinVar variation 383074 (VCV000383074.17), dbSNP rs1002791506, ClinGen allele CA16607463.